The following is an entry in ClinVar:

NM_017775.4(TTC19):c.1002T>C (p.Tyr334=)

Gene: TTC19 (tetratricopeptide repeat domain 19; plus strand). Cytogenetic location: 17p12.
Variant type: single nucleotide variant.
Coding change: c.1002T>C on transcript NM_017775.4 (MANE Select); coding-DNA position 1002, T replaced by C.
Protein change: p.Tyr334=; no amino-acid change (tyrosine 334 retained).
Molecular consequence: synonymous variant.
Genome position (GRCh38, 1-based): chr17:16,027,381, T>C. VCF-style: chr17-16027381-T-C. GRCh37 (hg19) VCF-style: chr17-15930695-T-C.
Other names: c.681T>C, p.Tyr227= (NM_001271420.2).
Identifiers: ClinVar variation 2978971 (VCV002978971.21), dbSNP rs1199996263, ClinGen allele CA498040222.

ClinVar aggregate classification (germline): Likely benign. Review status: criteria provided, multiple submitters, no conflicts (2 of 4 stars). 2 submissions from 2 submitters: Likely benign (2). Last evaluated 2026-09-01.

Allele frequency attached by ClinVar (database versions not stated): gnomAD 0.00002; TOPMed 0.00002.
gnomAD v4.1: 10 of 1,613,902 alleles (0.00062%); highest among the groups gnomAD compares: Non-Finnish European, 0.00085%; no homozygotes.

Submissions (2):

CeGaT Center for Human Genetics Tuebingen
Classification: Likely benign. Last evaluated: 2026-09-01. Review status: criteria provided, single submitter. Criteria: CeGaT Center For Human Genetics Tuebingen Variant Classification Criteria Version 2. Collection method: clinical testing. Allele origin: germline. Affected: yes. Observed: 2 variant alleles.
Comment: TTC19: BP4, BP7

Labcorp Genetics (formerly Invitae), Labcorp
Classification: Likely benign. Last evaluated: 2023-03-17. Review status: criteria provided, single submitter. Criteria: Invitae Variant Classification Sherloc (09022015). Collection method: clinical testing. Allele origin: germline.